The following is an entry in ClinVar:

ClinVar aggregate classification (germline): Pathogenic/Likely pathogenic. Review status: criteria provided, multiple submitters, no conflicts (2 of 4 stars). 2 submissions from 2 submitters: Pathogenic (1); Likely pathogenic (1). Last evaluated 2024-04-04.

Conditions:
COL2A1-related disorder. Also called: COL2A1-related condition; COL2A1-related disorders.

Submissions (2):

Labcorp Genetics (formerly Invitae), Labcorp
Classification: Pathogenic. Last evaluated: 2024-04-04. Review status: criteria provided, single submitter. Criteria: Invitae Variant Classification Sherloc (09022015). Collection method: clinical testing. Allele origin: germline.
Comment: This sequence change creates a premature translational stop signal (p.Asp1234Thrfs*15) in the COL2A1 gene. It is expected to result in an absent or disrupted protein product. Loss-of-function variants in COL2A1 are known to be pathogenic (PMID: 20179744). This variant is not present in population databases (gnomAD no frequency). This variant has not been reported in the literature in individuals affected with COL2A1-related conditions. ClinVar contains an entry for this variant (Variation ID: 2107098). For these reasons, this variant has been classified as Pathogenic.

Blueprint Genetics
Classification: Likely pathogenic for COL2A1-related disorders. Last evaluated: 2023-12-27. Review status: criteria provided, single submitter. Criteria: ACMG Guidelines, 2015. Collection method: clinical testing. Allele origin: germline. Affected: yes. Observed: 1 variant allele.

Literature cited by the submitters: PubMed 20179744 (cited by Labcorp Genetics (formerly Invitae), Labcorp).

NM_001844.5(COL2A1):c.3699del (p.Asp1234fs)

Gene: COL2A1 (collagen type II alpha 1 chain; minus strand). Cytogenetic location: 12q13.11.
Variant type: Deletion.
Coding change: c.3699del on transcript NM_001844.5 (MANE Select); coding-DNA position 3699, one base deleted (C; older notation c.3699delC).
Protein change: p.Asp1234fs; shifts the reading frame from aspartic acid 1234.
Molecular consequence: frameshift variant.
Genome position (GRCh38, 1-based): chr12:47,975,504, G deleted on the plus strand (C on the coding strand, the reverse complement: COL2A1 is on the minus strand); the first of 4 consecutive G bases (chr12:47,975,504-47,975,507); deleting any one gives the same sequence. VCF-style (leftmost placement, unchanged base first): chr12-47975503-CG-C. GRCh37 (hg19) VCF-style: chr12-48369286-CG-C.
Other names: c.3492del, p.Asp1165fs (NM_033150.3); short protein forms D1165fs, D1234fs.
Identifiers: ClinVar variation 2107098 (VCV002107098.5), dbSNP rs2540100523, ClinGen allele CA2580085668.